The following is an entry in ClinVar:

NM_016734.3(PAX5):c.526G>C (p.Gly176Arg)

Genes: PAX5 (paired box 5; minus strand), LOC105376032 (uncharacterized LOC105376032; plus strand). Cytogenetic location: 9p13.2.
Variant type: single nucleotide variant.
Coding change: c.526G>C on transcript NM_016734.3 (MANE Select); coding-DNA position 526, G replaced by C.
Protein change: p.Gly176Arg; replaces glycine 176 with arginine.
Molecular consequence: missense variant. On other transcripts: non-coding transcript variant (4), intron variant (2).
Genome position (GRCh38, 1-based): chr9:37,002,726, C>G on the plus strand (G>C on the coding strand, the complement: PAX5 is on the minus strand). VCF-style: chr9-37002726-C-G. GRCh37 (hg19) VCF-style: chr9-37002723-C-G.
Other names: c.526G>C, p.Gly176Arg (NM_001280547.2, NM_001280548.2, NM_001280549.2 and 2 more transcripts); c.202G>C, p.Gly68Arg (NM_001280551.2, NM_001280556.2); c.328G>C, p.Gly110Arg (NM_001280555.2); c.475+3747G>C (NM_001280553.2, NM_001280554.2); short protein forms G68R, G176R, G110R.
Identifiers: ClinVar variation 3716346 (VCV003716346.3).
Genomic context (GRCh38, chr9:37,002,726, plus strand): 5'-TGTTGGTGTCGGCGCTGGGGGACGTGATGCCCAGGATGCCGCTGATGGAGTACGACGAGC[C>G]GGCCGAATCCGTGCTCACCGAGGACACCTGCGTCACGGAGCCAGTGGACACTGCGCGGAG-3'
Protein context (NP_057953.1, residues 166-186): QVSSVSTDSA[Gly176Arg]SSYSISGILG

ClinVar aggregate classification (germline): Uncertain significance. Review status: criteria provided, multiple submitters, no conflicts (2 of 4 stars). 2 submissions from 2 submitters: Uncertain significance (2). Last evaluated 2024-05-12.

gnomAD v4.1: 216 of 1,610,450 alleles (0.013%); highest among the groups gnomAD compares: Non-Finnish European, 0.018%; no homozygotes.

Submissions (2):

Labcorp Genetics (formerly Invitae), Labcorp
Classification: Uncertain significance. Last evaluated: 2024-05-12. Review status: criteria provided, single submitter. Criteria: Invitae Variant Classification Sherloc (09022015). Collection method: clinical testing. Allele origin: germline.
Comment: This sequence change replaces glycine, which is neutral and non-polar, with arginine, which is basic and polar, at codon 176 of the PAX5 protein (p.Gly176Arg). This variant is present in population databases (rs142399779, gnomAD 0.005%). This variant has not been reported in the literature in individuals affected with PAX5-related conditions. Advanced modeling of protein sequence and biophysical properties (such as structural, functional, and spatial information, amino acid conservation, physicochemical variation, residue mobility, and thermodynamic stability) performed at Invitae indicates that this missense variant is not expected to disrupt PAX5 protein function with a negative predictive value of 80%. In summary, the available evidence is currently insufficient to determine the role of this variant in disease. Therefore, it has been classified as a Variant of Uncertain Significance.

Blueprint Genetics
Classification: Uncertain significance. Last evaluated: 2022-02-03. Review status: criteria provided, single submitter. Criteria: ACMG Guidelines, 2015. Collection method: clinical testing. Allele origin: germline.